The following is an entry in ClinVar:

NM_001131016.2(CIZ1):c.1631_1633del (p.Ala544del)

Gene: CIZ1 (CDKN1A interacting zinc finger protein 1; minus strand). Cytogenetic location: 9q34.11.
Variant type: Deletion.
Coding change: c.1631_1633del on transcript NM_001131016.2 (MANE Select); coding-DNA positions 1631 to 1633, 3 bases deleted (CCG; older notation c.1631_1633delCCG).
Protein change: p.Ala544del; deletes alanine 544.
Molecular consequence: inframe deletion.
Genome position (GRCh38, 1-based): chr9:128,177,751-128,177,753, CGG deleted on the plus strand (CCG on the coding strand, the reverse complement: CIZ1 is on the minus strand); deleting any 3 consecutive bases within chr9:128,177,751-128,177,755 gives the same sequence; the c. name uses the placement nearest the transcript's 3' end. VCF-style (leftmost placement, unchanged base first): chr9-128177750-CCGG-C. GRCh37 (hg19) VCF-style: chr9-130940029-CCGG-C.
Other names: c.1463_1465del, p.Ala488del (NM_001131015.2); c.1448_1450del, p.Ala483del (NM_001131017.2); c.1391_1393del, p.Ala464del (NM_001131018.2); c.1721_1723del, p.Ala574del (NM_001257975.2); c.1328_1330del, p.Ala443del (NM_001257976.2); c.1631_1633del, p.Ala544del (NM_012127.3); short protein forms A544del, A488del, A574del, A443del, A464del, A483del.
Identifiers: ClinVar variation 941818 (VCV000941818.9), dbSNP rs1459493710, ClinGen allele CA590620655.
Genomic context (GRCh38, chr9:128,177,750, plus strand): 5'-GGTACAGTGCTAAAGGCCCGGCTGTCACTGCTCTGCAGAATGGTGACCTTCAGGGAGCCC[CCGG>C]CGCCCCATACCTGCATGGGGAGTAGGAACTGAACTTCCATCAACTGTGTACTTATAGTGG-3'

ClinVar aggregate classification (germline): Uncertain significance (1 of 4 stars; one submission).

Conditions:
Dystonic disorder. Also called: Dystonia. Identifiers: MedGen C0013421, MONDO:0003441, HP:0001332.

Submission:

Labcorp Genetics (formerly Invitae), Labcorp
Classification: Uncertain significance for Dystonic disorder. Last evaluated: 2022-11-19. Review status: criteria provided, single submitter. Criteria: Invitae Variant Classification Sherloc (09022015). Collection method: clinical testing. Allele origin: germline.
Comment: In summary, the available evidence is currently insufficient to determine the role of this variant in disease. Therefore, it has been classified as a Variant of Uncertain Significance. Experimental studies and prediction algorithms are not available or were not evaluated, and the functional significance of this variant is currently unknown. ClinVar contains an entry for this variant (Variation ID: 941818). This variant has not been reported in the literature in individuals affected with CIZ1-related conditions. This variant is present in population databases (no rsID available, gnomAD 0.02%). This variant, c.1631_1633del, results in the deletion of 1 amino acid(s) of the CIZ1 protein (p.Ala544del), but otherwise preserves the integrity of the reading frame.